The following is an entry in ClinVar:

NM_001080516.2(GRXCR2):c.100C>T (p.Gln34Ter)

Gene: GRXCR2 (glutaredoxin and cysteine rich domain containing 2; minus strand). Cytogenetic location: 5q32.
Variant type: single nucleotide variant.
Coding change: c.100C>T on transcript NM_001080516.2 (MANE Select); coding-DNA position 100, C replaced by T.
Protein change: p.Gln34Ter; replaces glutamine 34 with a stop codon.
Molecular consequence: nonsense.
Genome position (GRCh38, 1-based): chr5:145,872,869, G>A on the plus strand (C>T on the coding strand, the complement: GRXCR2 is on the minus strand). VCF-style: chr5-145872869-G-A. GRCh37 (hg19) VCF-style: chr5-145252432-G-A.
Other names: short protein forms Q34*.
Identifiers: ClinVar variation 2124823 (VCV002124823.4), dbSNP rs770833599, ClinGen allele CA129558244.

ClinVar aggregate classification (germline): Pathogenic (1 of 4 stars; one submission).

Allele frequency attached by ClinVar (database versions not stated): gnomAD 0.00002.
gnomAD v4.1: 4 of 1,613,962 alleles (0.00025%); highest among the groups gnomAD compares: African/African-American, 0.0053%; no homozygotes.

Submission:

Labcorp Genetics (formerly Invitae), Labcorp
Classification: Pathogenic. Last evaluated: 2023-07-21. Review status: criteria provided, single submitter. Criteria: Invitae Variant Classification Sherloc (09022015). Collection method: clinical testing. Allele origin: germline.
Comment: This variant has not been reported in the literature in individuals affected with GRXCR2-related conditions. This variant is not present in population databases (gnomAD no frequency). This sequence change creates a premature translational stop signal (p.Gln34*) in the GRXCR2 gene. It is expected to result in an absent or disrupted protein product. Loss-of-function variants in GRXCR2 are known to be pathogenic (PMID: 24619944, 33528103). ClinVar contains an entry for this variant (Variation ID: 2124823). For these reasons, this variant has been classified as Pathogenic.

Literature cited by the submitters: PubMed 24619944; PubMed 33528103.